The following is an entry in ClinVar:

ClinVar aggregate classification (germline): Uncertain significance (1 of 4 stars; one submission).

gnomAD v4.1: 13 of 1,610,502 alleles (0.00081%); highest among the groups gnomAD compares: Non-Finnish European, 0.0011%; no homozygotes.

Submission:

Labcorp Genetics (formerly Invitae), Labcorp
Classification: Uncertain significance. Last evaluated: 2024-08-28. Review status: criteria provided, single submitter. Criteria: Invitae Variant Classification Sherloc (09022015). Collection method: clinical testing. Allele origin: germline.
Comment: This sequence change replaces alanine, which is neutral and non-polar, with threonine, which is neutral and polar, at codon 469 of the SLC1A2 protein (p.Ala469Thr). This variant is not present in population databases (gnomAD no frequency). This variant has not been reported in the literature in individuals affected with SLC1A2-related conditions. Invitae Evidence Modeling of protein sequence and biophysical properties (such as structural, functional, and spatial information, amino acid conservation, physicochemical variation, residue mobility, and thermodynamic stability) indicates that this missense variant is not expected to disrupt SLC1A2 protein function with a negative predictive value of 80%. In summary, the available evidence is currently insufficient to determine the role of this variant in disease. Therefore, it has been classified as a Variant of Uncertain Significance.

NM_004171.4(SLC1A2):c.1405G>A (p.Ala469Thr)

Gene: SLC1A2 (solute carrier family 1 member 2; minus strand). Cytogenetic location: 11p13.
Variant type: single nucleotide variant.
Coding change: c.1405G>A on transcript NM_004171.4 (MANE Select); coding-DNA position 1405, G replaced by A.
Protein change: p.Ala469Thr; replaces alanine 469 with threonine.
Molecular consequence: missense variant.
Genome position (GRCh38, 1-based): chr11:35,280,883, C>T on the plus strand (G>A on the coding strand, the complement: SLC1A2 is on the minus strand). VCF-style: chr11-35280883-C-T. GRCh37 (hg19) VCF-style: chr11-35302430-C-T.
Other names: c.1378G>A, p.Ala460Thr (NM_001195728.3, NM_001252652.2); short protein forms A460T, A469T.
Identifiers: ClinVar variation 3692362 (VCV003692362.2).
Genomic context (GRCh38, chr11:35,280,883, plus strand): 5'-GCAGTACTCACAGTCCCAGCAGAACCCCATCCACAGACACTTACAGCAGCCAGTCCACAG[C>T]CACCAGCAGGCTGATGTCCTCTGTTGGCAGGCCCACGGCTGTCAGAATGAGGAGCATGGT-3'
Protein context (NP_004162.2, residues 459-479): LPTEDISLLV[Ala469Thr]VDWLLDRMRT